The following is an entry in ClinVar:

NM_018834.6(MATR3):c.1013C>G (p.Thr338Arg)

Gene: MATR3 (matrin 3; plus strand). Cytogenetic location: 5q31.2.
Variant type: single nucleotide variant.
Coding change: c.1013C>G on transcript NM_018834.6 (MANE Select); coding-DNA position 1013, C replaced by G.
Protein change: p.Thr338Arg; replaces threonine 338 with arginine.
Molecular consequence: missense variant. On other transcripts: 5 prime UTR variant (8).
Genome position (GRCh38, 1-based): chr5:139,315,735, C>G. VCF-style: chr5-139315735-C-G. GRCh37 (hg19) VCF-style: chr5-138651424-C-G.
Other names: c.1013C>G, p.Thr338Arg (NM_001194954.2, NM_001194955.2, NM_001400441.1 and 16 more transcripts); c.149C>G, p.Thr50Arg (NM_001194956.2); c.-2C>G (NM_001282278.2, NM_001400460.1, NM_001400462.1 and 5 more transcripts); c.152C>G, p.Thr51Arg (NM_001400459.1); c.113C>G, p.Thr38Arg (NM_001400461.1); short protein forms T338R, T51R, T38R, T50R.
Identifiers: ClinVar variation 2079709 (VCV002079709.4), dbSNP rs2546807717, ClinGen allele CA361138580.
Genomic context (GRCh38, chr5:139,315,735, plus strand): 5'-TAATTTTCTGGTCTTTTTAAAGCTACCCAGAATGGAATCCTGACAATGATACAGGACACA[C>G]AATGTAAGTTAAATTTTTTAAGCTACCATTTGTAAAGGAGATCAATGTAAGGAATTCAGG-3'
Protein context (NP_061322.2, residues 328-348): EWNPDNDTGH[Thr338Arg]MGDPFMLQQS

ClinVar aggregate classification (germline): Uncertain significance (1 of 4 stars; one submission).

Conditions:
Amyotrophic lateral sclerosis type 21. Also called: VOCAL CORD AND PHARYNGEAL DYSFUNCTION WITH DISTAL MYOPATHY; MYOPATHY, DISTAL, 2. Identifiers: Orphanet 600, Orphanet 803, MedGen C3807521, MONDO:0011632, OMIM 606070.

Submission:

Labcorp Genetics (formerly Invitae), Labcorp
Classification: Uncertain significance for Amyotrophic lateral sclerosis type 21. Last evaluated: 2026-01-05. Review status: criteria provided, single submitter. Criteria: Invitae Variant Classification Sherloc (09022015). Collection method: clinical testing. Allele origin: germline.
Comment: This sequence change replaces threonine, which is neutral and polar, with arginine, which is basic and polar, at codon 338 of the MATR3 protein (p.Thr338Arg). This variant is not present in population databases (gnomAD no frequency). This variant has not been reported in the literature in individuals affected with MATR3-related conditions. ClinVar contains an entry for this variant (Variation ID: 2079709). Invitae Evidence Modeling of protein sequence and biophysical properties (such as structural, functional, and spatial information, amino acid conservation, physicochemical variation, residue mobility, and thermodynamic stability) indicates that this missense variant is not expected to disrupt MATR3 protein function with a negative predictive value of 80%. In summary, the available evidence is currently insufficient to determine the role of this variant in disease. Therefore, it has been classified as a Variant of Uncertain Significance.